The following is an entry in ClinVar:

ClinVar aggregate classification (germline): Uncertain significance. Review status: criteria provided, multiple submitters, no conflicts (2 of 4 stars). 3 submissions from 3 submitters: Uncertain significance (3). Last evaluated 2023-07-17.

Conditions:
Familial thoracic aortic aneurysm and aortic dissection (TAAD). Also called: Thoracic aortic aneurysms and dissections. Identifiers: Orphanet 91387, MedGen C4707243, MONDO:0019625.
Marfan syndrome (MFS). Also called: FBN1-Related Marfan Syndrome; Marfan's syndrome; MARFAN SYNDROME, TYPE I; Marfan syndrome type 1; Marfan syndrome, classic. Identifiers: Orphanet 284963, Orphanet 558, MedGen C0024796, MONDO:0007947, OMIM 154700.

Allele frequency attached by ClinVar (database versions not stated): gnomAD 0.00001; gnomAD exomes below 0.00001; TOPMed 0.00002.
gnomAD v4.1: 8 of 1,614,086 alleles (0.0005%); highest among the groups gnomAD compares: African/African-American, 0.008%; no homozygotes.

Submissions (3):

Ambry Genetics
Classification: Uncertain significance for Familial thoracic aortic aneurysm and aortic dissection. Last evaluated: 2023-07-17. Review status: criteria provided, single submitter. Criteria: Ambry Variant Classification Scheme 2023. Collection method: clinical testing. Allele origin: germline.
Comment: The p.S200G variant (also known as c.598A>G), located in coding exon 6 of the FBN1 gene, results from an A to G substitution at nucleotide position 598. The serine at codon 200 is replaced by glycine, an amino acid with similar properties. This amino acid position is well conserved in available vertebrate species. In addition, the in silico prediction for this alteration is inconclusive. Since supporting evidence is limited at this time, the clinical significance of this alteration remains unclear.

GeneDx
Classification: Uncertain significance. Last evaluated: 2022-09-02. Review status: criteria provided, single submitter. Criteria: GeneDx Variant Classification Process June 2021. Collection method: clinical testing. Allele origin: germline. Affected: yes.
Comment: Has not been previously published as pathogenic or benign to our knowledge; Not observed at significant frequency in large population cohorts (gnomAD); In silico analysis supports that this missense variant has a deleterious effect on protein structure/function; Does not affect a cysteine residue within a calcium-binding EGF-like domain or a TGF-binding protein domain of the FBN1 gene; cysteine substitutions in the calcium-binding EGF-like domains represent the majority of pathogenic missense changes associated with FBN1-related disorders (Collod-Beroud et al., 2003); This variant is associated with the following publications: (PMID: 12938084)

Labcorp Genetics (formerly Invitae), Labcorp
Classification: Uncertain significance for Marfan syndrome; Familial thoracic aortic aneurysm and aortic dissection. Last evaluated: 2019-12-03. Review status: criteria provided, single submitter. Criteria: Invitae Variant Classification Sherloc (09022015). Collection method: clinical testing. Allele origin: germline.
Comment: In summary, the available evidence is currently insufficient to determine the role of this variant in disease. Therefore, it has been classified as a Variant of Uncertain Significance. Algorithms developed to predict the effect of missense changes on protein structure and function are either unavailable or do not agree on the potential impact of this missense change (SIFT: "Deleterious"; PolyPhen-2: "Benign"; Align-GVGD: "Class C0"). This variant has not been reported in the literature in individuals with FBN1-related conditions. This variant is not present in population databases (ExAC no frequency). This sequence change replaces serine with glycine at codon 200 of the FBN1 protein (p.Ser200Gly). The serine residue is highly conserved and there is a small physicochemical difference between serine and glycine.

NM_000138.5(FBN1):c.598A>G (p.Ser200Gly)

Gene: FBN1 (fibrillin 1; minus strand). Cytogenetic location: 15q21.1.
Variant type: single nucleotide variant.
Coding change: c.598A>G on transcript NM_000138.5 (MANE Select); coding-DNA position 598, A replaced by G.
Protein change: p.Ser200Gly; replaces serine 200 with glycine.
Molecular consequence: missense variant.
Genome position (GRCh38, 1-based): chr15:48,537,749, T>C on the plus strand (A>G on the coding strand, the complement: FBN1 is on the minus strand). VCF-style: chr15-48537749-T-C. GRCh37 (hg19) VCF-style: chr15-48829946-T-C.
Other names: short protein forms S200G.
Identifiers: ClinVar variation 836146 (VCV000836146.11), dbSNP rs1057036462, ClinGen allele CA270013578.
Genomic context (GRCh38, chr15:48,537,749, plus strand): 5'-GGTGGCCCCAGGCTCGGCCGACTGTGGCACAGCAGAGCGTTTTTGTGCAGACAATCCCGC[T>C]GAGTTGTCCCTGGCACATCTGGTTGCTGATCACAGTAAAACATGGGCCTGTCCTGTAATC-3'
Protein context (NP_000129.3, residues 190-210): ISNQMCQGQL[Ser200Gly]GIVCTKTLCC